The following is an entry in ClinVar:

ClinVar aggregate classification (germline): Pathogenic/Likely pathogenic. Review status: criteria provided, multiple submitters, no conflicts (2 of 4 stars). 2 submissions from 2 submitters: Pathogenic (1); Likely pathogenic (1). Last evaluated 2024-01-25.

Conditions:
Pituitary adenoma 5, multiple types. Identifiers: MedGen C4539685, MONDO:0054601, OMIM 617540.

Submissions (2):

Baylor Genetics
Classification: Likely pathogenic for Pituitary adenoma 5, multiple types. Last evaluated: 2024-01-25. Review status: criteria provided, single submitter. Criteria: ACMG Guidelines, 2015. Collection method: clinical testing. Allele origin: unknown.

Labcorp Genetics (formerly Invitae), Labcorp
Classification: Pathogenic. Last evaluated: 2024-01-18. Review status: criteria provided, single submitter. Criteria: Invitae Variant Classification Sherloc (09022015). Collection method: clinical testing. Allele origin: germline.
Comment: This sequence change affects a donor splice site in intron 55 of the CDH23 gene. It is expected to disrupt RNA splicing. Variants that disrupt the donor or acceptor splice site typically lead to a loss of protein function (PMID: 16199547), and loss-of-function variants in CDH23 are known to be pathogenic (PMID: 11138009, 21940737). This variant is not present in population databases (gnomAD no frequency). Disruption of this splice site has been observed in individual(s) with childhood-onset deafness (PMID: 34837038). It has also been observed to segregate with disease in related individuals. Algorithms developed to predict the effect of sequence changes on RNA splicing suggest that this variant may disrupt the consensus splice site. For these reasons, this variant has been classified as Pathogenic.

Literature cited by the submitters: PubMed 16199547 (cited by Labcorp Genetics (formerly Invitae), Labcorp); PubMed 11138009 (cited by Labcorp Genetics (formerly Invitae), Labcorp); PubMed 21940737 (cited by Labcorp Genetics (formerly Invitae), Labcorp); PubMed 34837038 (cited by Labcorp Genetics (formerly Invitae), Labcorp).

NM_022124.6(CDH23):c.7872+1G>C

Gene: CDH23 (cadherin related 23; plus strand). Cytogenetic location: 10q22.1.
Variant type: single nucleotide variant.
Coding change: c.7872+1G>C on transcript NM_022124.6 (MANE Select); the canonical splice donor site of the intron after coding-DNA position 7872, G replaced by C.
Molecular consequence: splice donor variant.
Genome position (GRCh38, 1-based): chr10:71,803,421, G>C. VCF-style: chr10-71803421-G-C. GRCh37 (hg19) VCF-style: chr10-73563178-G-C.
Other names: c.1152+1G>C (NM_001171933.1, NM_001171934.1).
Identifiers: ClinVar variation 3002997 (VCV003002997.4), dbSNP rs746152246, ClinGen allele CA377161757.